The following is an entry in ClinVar:

NM_001375567.1(FOCAD):c.1344C>T (p.Ile448=)

Gene: FOCAD (focadhesin; plus strand). Cytogenetic location: 9p21.3.
Variant type: single nucleotide variant.
Coding change: c.1344C>T on transcript NM_001375567.1 (MANE Select); coding-DNA position 1344, C replaced by T.
Protein change: p.Ile448=; no amino-acid change (isoleucine 448 retained).
Molecular consequence: synonymous variant.
Genome position (GRCh38, 1-based): chr9:20,789,497, C>T. VCF-style: chr9-20789497-C-T. GRCh37 (hg19) VCF-style: chr9-20789496-C-T.
Other names: c.1344C>T, p.Ile448= (NM_001375568.1, NM_017794.5); c.1239C>T, p.Ile413= (NM_001375570.1).
Identifiers: ClinVar variation 3351055 (VCV003351055.3).

ClinVar aggregate classification (germline): Likely benign. Review status: criteria provided, single submitter (1 of 4 stars). 2 submissions from 2 submitters: Likely benign (1). 1 of the submissions does not count toward it. Last evaluated 2024-04-03.

Conditions:
FOCAD-related disorder. Also called: FOCAD-related condition.

gnomAD v4.1: 17 of 1,613,850 alleles (0.0011%); highest among the groups gnomAD compares: Middle Eastern, 0.033%; no homozygotes.

Submissions (2):

Labcorp Genetics (formerly Invitae), Labcorp
Classification: Likely benign. Last evaluated: 2024-04-03. Review status: criteria provided, single submitter. Criteria: Invitae Variant Classification Sherloc (09022015). Collection method: clinical testing. Allele origin: germline.

PreventionGenetics, part of Exact Sciences
Classification: Likely benign for FOCAD-related condition. Last evaluated: 2024-04-27. Review status: no assertion criteria provided. Collection method: clinical testing. Allele origin: germline. Not counted in ClinVar's aggregate classification.
Comment: This variant is classified as likely benign based on ACMG/AMP sequence variant interpretation guidelines (Richards et al. 2015 PMID: 25741868, with internal and published modifications).